The following is an entry in ClinVar:

NM_001396956.1(GOLGA6L22):c.1396G>T (p.Glu466Ter)

Gene: GOLGA6L22 (golgin A6 family like 22; plus strand). Cytogenetic location: 15q11.2.
Variant type: single nucleotide variant.
Coding change: c.1396G>T on transcript NM_001396956.1 (MANE Select); coding-DNA position 1396, G replaced by T.
Protein change: p.Glu466Ter; replaces glutamic acid 466 with a stop codon.
Molecular consequence: nonsense.
Genome position (GRCh38, 1-based): chr15:22,465,656, G>T. VCF-style: chr15-22465656-G-T. GRCh37 (hg19) VCF-style: chr15-23407440-C-A.
Other names: c.1393G>T, p.Glu465Ter (NM_001396957.1); short protein forms E465*, E466*.
Identifiers: ClinVar variation 2644965 (VCV002644965.23), dbSNP rs773283763, ClinGen allele CA7427501.

ClinVar aggregate classification (germline): Likely benign (1 of 4 stars; one submission).

Allele frequency attached by ClinVar (database versions not stated): ExAC 0.00847.

Submission:

CeGaT Center for Human Genetics Tuebingen
Classification: Likely benign. Last evaluated: 2023-01-01. Review status: criteria provided, single submitter. Criteria: CeGaT Center For Human Genetics Tuebingen Variant Classification Criteria Version 2. Collection method: clinical testing. Allele origin: germline. Affected: yes. Observed: 1 variant allele.
Comment: RP11-467N20.5: BS2